The following is an entry in ClinVar:

NM_001303256.3(MORC2):c.1446G>T (p.Glu482Asp)

Gene: MORC2 (MORC family CW-type zinc finger 2; minus strand). Cytogenetic location: 22q12.2.
Variant type: single nucleotide variant.
Coding change: c.1446G>T on transcript NM_001303256.3 (MANE Select); coding-DNA position 1446, G replaced by T.
Protein change: p.Glu482Asp; replaces glutamic acid 482 with aspartic acid.
Molecular consequence: missense variant.
Genome position (GRCh38, 1-based): chr22:30,937,635, C>A on the plus strand (G>T on the coding strand, the complement: MORC2 is on the minus strand). VCF-style: chr22-30937635-C-A. GRCh37 (hg19) VCF-style: chr22-31333622-C-A.
Other names: p.Glu482Asp; c.1446G>T, p.Glu482Asp (NM_001303257.2); c.1260G>T, p.Glu420Asp (NM_014941.3); short protein forms E420D, E482D.
Identifiers: ClinVar variation 581365 (VCV000581365.8), dbSNP rs897870181, ClinGen allele CA411237755.

ClinVar aggregate classification (germline): Uncertain significance. Review status: criteria provided, multiple submitters, no conflicts (2 of 4 stars). 2 submissions from 2 submitters: Uncertain significance (2). Last evaluated 2025-08-10.

Conditions:
Charcot-Marie-Tooth disease axonal type 2Z. Also called: CHARCOT-MARIE-TOOTH DISEASE, AXONAL, AUTOSOMAL DOMINANT, TYPE 2Z; CHARCOT-MARIE-TOOTH NEUROPATHY, TYPE 2Z. Identifiers: Orphanet 466768, MedGen C5569025, MONDO:0014736, OMIM 616688.

Submissions (2):

Labcorp Genetics (formerly Invitae), Labcorp
Classification: Uncertain significance for Charcot-Marie-Tooth disease axonal type 2Z. Last evaluated: 2025-08-10. Review status: criteria provided, single submitter. Criteria: Invitae Variant Classification Sherloc (09022015). Collection method: clinical testing. Allele origin: germline.
Comment: This sequence change replaces glutamic acid, which is acidic and polar, with aspartic acid, which is acidic and polar, at codon 482 of the MORC2 protein (p.Glu482Asp). This variant is not present in population databases (gnomAD no frequency). This variant has not been reported in the literature in individuals affected with MORC2-related conditions. ClinVar contains an entry for this variant (Variation ID: 581365). Invitae Evidence Modeling of protein sequence and biophysical properties (such as structural, functional, and spatial information, amino acid conservation, physicochemical variation, residue mobility, and thermodynamic stability) indicates that this missense variant is not expected to disrupt MORC2 protein function with a negative predictive value of 80%. In summary, the available evidence is currently insufficient to determine the role of this variant in disease. Therefore, it has been classified as a Variant of Uncertain Significance.

Mayo Clinic Laboratories, Mayo Clinic
Classification: Uncertain significance. Last evaluated: 2024-06-05. Review status: criteria provided, single submitter. Criteria: ACMG Guidelines, 2015. Collection method: clinical testing. Allele origin: germline. Observed: 1 variant allele.
Comment: BP4